The following is an entry in ClinVar:

NM_172107.4(KCNQ2):c.853C>A (p.Pro285Thr)

Gene: KCNQ2 (potassium voltage-gated channel subfamily Q member 2; minus strand). Cytogenetic location: 20q13.33.
Variant type: single nucleotide variant.
Coding change: c.853C>A on transcript NM_172107.4 (MANE Select); coding-DNA position 853, C replaced by A.
Protein change: p.Pro285Thr; replaces proline 285 with threonine.
Molecular consequence: missense variant.
Genome position (GRCh38, 1-based): chr20:63,439,672, G>T on the plus strand (C>A on the coding strand, the complement: KCNQ2 is on the minus strand). VCF-style: chr20-63439672-G-T. GRCh37 (hg19) VCF-style: chr20-62071025-G-T.
Other names: c.853C>A, p.Pro285Thr (NM_001382235.1, NM_004518.6, NM_172106.3 and 2 more transcripts); short protein forms P285T.
Identifiers: ClinVar variation 3254539 (VCV003254539.1), dbSNP rs2081101244.

ClinVar aggregate classification (germline): Pathogenic (1 of 4 stars; one submission).

Conditions:
Developmental and epileptic encephalopathy, 7 (DEE7). Also called: Early infantile epileptic encephalopathy 7; KCNQ2-Related Neonatal-Onset Developmental and Epileptic Encephalopathy (NEO-DEE); KCNQ2-Related Neonatal Epileptic Encephalopathy. Identifiers: Orphanet 439218, MedGen C3150986, MONDO:0013387, OMIM 613720.

Submission:

Victorian Clinical Genetics Services, Murdoch Childrens Research Institute
Classification: Pathogenic for Developmental and epileptic encephalopathy, 7. Last evaluated: 2023-07-16. Review status: criteria provided, single submitter. Criteria: ACMG Guidelines, 2015. Collection method: clinical testing. Allele origin: germline. Inheritance: Autosomal dominant inheritance. Affected: yes.
Comment: Based on the classification scheme VCGS_Germline_v1.3.4, this variant is classified as Pathogenic. Following criteria are met: 0103 - Dominant negative and loss of function are known mechanisms of disease in this gene and are associated with developmental and epileptic encephalopathy 7 (DEE; MIM#613720) and benign neonatal seizures, 1 (BFNS; MIM#121200), respectively (PMID: 20437616). There is currently no phenotypic correlation in terms of variant types or protein location (PMID: 31418850). (I) 0107 - This gene is associated with autosomal dominant disease. (I) 0112 - The condition associated with this gene has incomplete penetrance, however, this is only reported for patients with BFNS (PMID: 25959266). (I) 0200 - Variant is predicted to result in a missense amino acid change from proline to threonine (I) 0251 - This variant is heterozygous. (I) 0301 - Variant is absent from gnomAD (both v2 and v3). (SP) 0501 - Missense variant consistently predicted to be damaging by multiple in silico tools or highly conserved with a major amino acid change. (SP) 0601 - Variant is located in the well-established functional pore domain (PMID: 33333793). (SP) 0703 - Other missense variants comparable to the one identified in this case have moderate previous evidence for pathogenicity. The variants p.(Pro285Leu) and p.(Pro285Ser) have been reported as likely pathogenic and pathogenic in ClinVar. (SP) 0802 - This variant has moderate previous evidence of pathogenicity in unrelated individuals. (SP) Legend: (SP) - Supporting pathogenic, (I) - Information, (SB) - Supporting benign

Literature cited by the submitters: PubMed 20437616; PubMed 25959266; PubMed 31199083; PubMed 31418850; PubMed 33333793.